The following is an entry in ClinVar:

NM_006172.4(NPPA):c.367C>T (p.Arg123Trp)

Genes: NPPA (natriuretic peptide A; minus strand), NPPA-AS1 (NPPA antisense RNA 1; plus strand), LOC114827827 (VISTA enhancer hs2123; plus strand). Cytogenetic location: 1p36.22.
Variant type: single nucleotide variant.
Coding change: c.367C>T on transcript NM_006172.4 (MANE Select); coding-DNA position 367, C replaced by T.
Protein change: p.Arg123Trp; replaces arginine 123 with tryptophan.
Molecular consequence: missense variant.
Genome position (GRCh38, 1-based): chr1:11,847,196, G>A on the plus strand (C>T on the coding strand, the complement: NPPA is on the minus strand). VCF-style: chr1-11847196-G-A. GRCh37 (hg19) VCF-style: chr1-11907253-G-A.
Other names: short protein forms R123W.
Identifiers: ClinVar variation 2910944 (VCV002910944.5), dbSNP rs377057675, ClinGen allele CA18010600.
Genomic context (GRCh38, chr1:11,847,196, plus strand): 5'-CGCTCTGGGCTCCAATCCTGTCCATCCTGCCCCCGAAGCAGCTGGATCTCCGCAGGCTCC[G>A]AGGGGCAGTGAGCAGCGCCCTCAGCTTGCTTTTTAGGAGGGCAGATCGATCAGAGGAGTC-3'
Protein context (NP_006163.1, residues 113-133): SKLRALLTAP[Arg123Trp]SLRRSSCFGG

ClinVar aggregate classification (germline): Uncertain significance. Review status: criteria provided, multiple submitters, no conflicts (2 of 4 stars). 3 submissions from 3 submitters: Uncertain significance (3). Last evaluated 2025-08-06.

Conditions:
Atrial fibrillation, familial, 6 (ATFB6). Identifiers: MedGen C2677294, MONDO:0012816, OMIM 612201.
Inborn genetic diseases. Identifiers: MedGen C0950123, MeSH D030342.

Submissions (3):

Labcorp Genetics (formerly Invitae), Labcorp
Classification: Uncertain significance for Atrial fibrillation, familial, 6. Last evaluated: 2025-08-06. Review status: criteria provided, single submitter. Criteria: Invitae Variant Classification Sherloc (09022015). Collection method: clinical testing. Allele origin: germline.
Comment: This sequence change replaces arginine, which is basic and polar, with tryptophan, which is neutral and slightly polar, at codon 123 of the NPPA protein (p.Arg123Trp). This variant is not present in population databases (gnomAD no frequency). This variant has not been reported in the literature in individuals affected with NPPA-related conditions. ClinVar contains an entry for this variant (Variation ID: 2910944). An algorithm developed to predict the effect of missense changes on protein structure and function (PolyPhen-2) suggests that this variant is likely to be disruptive. In summary, the available evidence is currently insufficient to determine the role of this variant in disease. Therefore, it has been classified as a Variant of Uncertain Significance.

Ambry Genetics
Classification: Uncertain significance for Inborn genetic diseases. Last evaluated: 2025-06-07. Review status: criteria provided, single submitter. Criteria: Ambry Variant Classification Scheme 2023. Collection method: clinical testing. Allele origin: germline.

Victorian Clinical Genetics Services, Murdoch Childrens Research Institute
Classification: Uncertain significance for Atrial fibrillation, familial, 6. Last evaluated: 2023-07-17. Review status: criteria provided, single submitter. Criteria: ACMG Guidelines, 2015. Collection method: clinical testing. Allele origin: germline. Inheritance: Autosomal dominant inheritance. Affected: yes.
Comment: Based on the classification scheme VCGS_Germline_v1.3.4, this variant is classified as VUS-3B. Following criteria are met: 0105 - The mechanism of disease for this gene is not clearly established (PanelApp-Australia, ClinGen). (I) 0108 - This gene has been reported to be associated with both recessive and dominant disease, however the gene-disease association is not well established (PanelApp-Australia, ClinGen, OMIM). (I) 0200 - Variant is predicted to result in a missense amino acid change from arginine to tryptophan. (I) 0251 - This variant is heterozygous. (I) 0304 - Variant is present in gnomAD <0.01 (v3: 2 heterozygotes, 0 homozygotes). (SP) 0309 - Two alternative amino acid changes at the same position have been observed in gnomAD (highest allele count: 2 heterozygotes, 0 homozygotes). (I) 0502 - Missense variant with conflicting in silico predictions and uninformative conservation. (I) 0600 - Variant is located in the annotated ANP domain (DECIPHER). (I) 0710 - Another missense variant comparable to the one identified in this case has inconclusive previous evidence for pathogenicity. A minor amino acid change, p.(Arg123Gln) has been reported as a VUS by a clinical testing laboratory (ClinVar). (I) 0807 - This variant has no previous evidence of pathogenicity. (I) 0905 - No published segregation evidence has been identified for this variant. (I) 1007 - No published functional evidence has been identified for this variant. (I) 1208 - Inheritance information for this variant is not currently available in this individual. (I) Legend: (SP) - Supporting pathogenic, (I) - Information, (SB) - Supporting benign